The following is an entry in ClinVar:

NM_054021.2(GPR101):c.365T>C (p.Ile122Thr)

Gene: GPR101 (G protein-coupled receptor 101; minus strand). Cytogenetic location: Xq26.3.
Variant type: single nucleotide variant.
Coding change: c.365T>C on transcript NM_054021.2 (MANE Select); coding-DNA position 365, T replaced by C.
Protein change: p.Ile122Thr; replaces isoleucine 122 with threonine.
Molecular consequence: missense variant.
Genome position (GRCh38, 1-based): chrX:137,031,310, A>G on the plus strand (T>C on the coding strand, the complement: GPR101 is on the minus strand). VCF-style: chrX-137031310-A-G. GRCh37 (hg19) VCF-style: chrX-136113469-A-G.
Other names: short protein forms I122T.
Identifiers: ClinVar variation 2027732 (VCV002027732.4), dbSNP rs2520423505, ClinGen allele CA414768170.

ClinVar aggregate classification (germline): Uncertain significance (1 of 4 stars; one submission).

Submission:

Labcorp Genetics (formerly Invitae), Labcorp
Classification: Uncertain significance. Last evaluated: 2022-08-29. Review status: criteria provided, single submitter. Criteria: Invitae Variant Classification Sherloc (09022015). Collection method: clinical testing. Allele origin: germline.
Comment: Algorithms developed to predict the effect of missense changes on protein structure and function (SIFT, PolyPhen-2, Align-GVGD) all suggest that this variant is likely to be disruptive. In summary, the available evidence is currently insufficient to determine the role of this variant in disease. Therefore, it has been classified as a Variant of Uncertain Significance. This missense change has been observed in individual(s) with clinical features of X-linked acrogigantism (PMID: 26792934). This variant is not present in population databases (gnomAD no frequency). This sequence change replaces isoleucine, which is neutral and non-polar, with threonine, which is neutral and polar, at codon 122 of the GPR101 protein (p.Ile122Thr).

Literature cited by the submitters: PubMed 26792934.